The following is an entry in ClinVar:

NM_002878.4(RAD51D):c.974G>T (p.Gly325Val)

Genes: RAD51D (RAD51 paralog D; minus strand), RAD51L3-RFFL (RAD51L3-RFFL readthrough; minus strand). Cytogenetic location: 17q12.
Variant type: single nucleotide variant.
Coding change: c.974G>T on transcript NM_002878.4 (MANE Select); coding-DNA position 974, G replaced by T.
Protein change: p.Gly325Val; replaces glycine 325 with valine.
Molecular consequence: missense variant. On other transcripts: non-coding transcript variant (2).
Genome position (GRCh38, 1-based): chr17:35,100,966, C>A on the plus strand (G>T on the coding strand, the complement: RAD51D is on the minus strand). VCF-style: chr17-35100966-C-A. GRCh37 (hg19) VCF-style: chr17-33427985-C-A.
Other names: c.1034G>T, p.Gly345Val (NM_001142571.2); c.638G>T, p.Gly213Val (NM_133629.3); short protein forms G325V, G213V, G345V.
Identifiers: ClinVar variation 1380993 (VCV001380993.8), dbSNP rs2142408660, ClinGen allele CA399086047.

ClinVar aggregate classification (germline): Uncertain significance (1 of 4 stars; one submission).

Conditions:
Breast-ovarian cancer, familial, susceptibility to, 4. Identifiers: Orphanet 145, MedGen C3280345, MONDO:0013669, OMIM 614291.

Submission:

Labcorp Genetics (formerly Invitae), Labcorp
Classification: Uncertain significance for Breast-ovarian cancer, familial, susceptibility to, 4. Last evaluated: 2021-03-24. Review status: criteria provided, single submitter. Criteria: Invitae Variant Classification Sherloc (09022015). Collection method: clinical testing. Allele origin: germline.
Comment: In summary, the available evidence is currently insufficient to determine the role of this variant in disease. Therefore, it has been classified as a Variant of Uncertain Significance. Algorithms developed to predict the effect of sequence changes on RNA splicing suggest that this variant may create or strengthen a splice site, but this prediction has not been confirmed by published transcriptional studies. Algorithms developed to predict the effect of missense changes on protein structure and function (SIFT, PolyPhen-2, Align-GVGD) all suggest that this variant is likely to be tolerated, but these predictions have not been confirmed by published functional studies and their clinical significance is uncertain. This variant has not been reported in the literature in individuals with RAD51D-related conditions. This variant is not present in population databases (ExAC no frequency). This sequence change replaces glycine with valine at codon 325 of the RAD51D protein (p.Gly325Val). The glycine residue is weakly conserved and there is a moderate physicochemical difference between glycine and valine.